The following is an entry in ClinVar:

NM_004415.4(DSP):c.3694T>C (p.Ser1232Pro)

Gene: DSP (desmoplakin; plus strand). Cytogenetic location: 6p24.3.
Variant type: single nucleotide variant.
Coding change: c.3694T>C on transcript NM_004415.4 (MANE Select); coding-DNA position 3694, T replaced by C.
Protein change: p.Ser1232Pro; replaces serine 1232 with proline.
Molecular consequence: missense variant. On other transcripts: intron variant (1).
Genome position (GRCh38, 1-based): chr6:7,579,884, T>C. VCF-style: chr6-7579884-T-C. GRCh37 (hg19) VCF-style: chr6-7580117-T-C.
Other names: c.3694T>C, p.Ser1232Pro (NM_001319034.2); c.3582+112T>C (NM_001008844.3); short protein forms S1232P.
Identifiers: ClinVar variation 3224226 (VCV003224226.1), dbSNP rs2533925317, ClinGen allele CA362684653.

ClinVar aggregate classification (germline): Uncertain significance (1 of 4 stars; one submission).

Conditions:
Cardiovascular phenotype. Identifiers: MedGen CN230736.

Submission:

Ambry Genetics
Classification: Uncertain significance for Cardiovascular phenotype. Last evaluated: 2023-09-18. Review status: criteria provided, single submitter. Criteria: Ambry Variant Classification Scheme 2023. Collection method: clinical testing. Allele origin: germline.
Comment: The p.S1232P variant (also known as c.3694T>C), located in coding exon 23 of the DSP gene, results from a T to C substitution at nucleotide position 3694. The serine at codon 1232 is replaced by proline, an amino acid with similar properties. This amino acid position is not well conserved in available vertebrate species. In addition, the in silico prediction for this alteration is inconclusive. Since supporting evidence is limited at this time, the clinical significance of this alteration remains unclear.